The following is an entry in ClinVar:

NM_000038.6(APC):c.1627-10T>G

Gene: APC (APC regulator of Wnt signaling pathway; plus strand). Cytogenetic location: 5q22.2.
Variant type: single nucleotide variant.
Coding change: c.1627-10T>G on transcript NM_000038.6 (MANE Select); 10 bases into the intron before coding-DNA position 1627, T replaced by G.
Molecular consequence: intron variant.
Genome position (GRCh38, 1-based): chr5:112,828,846, T>G. VCF-style: chr5-112828846-T-G. GRCh37 (hg19) VCF-style: chr5-112164543-T-G.
Other names: c.1627-10T>G (NM_001354895.2, NM_001127510.3); c.1657-10T>G (NM_001354897.2); c.1354-10T>G (NM_001354902.2); c.1573-10T>G (NM_001127511.3); c.1552-10T>G (NM_001354898.2); c.1249-10T>G (NM_001354904.2); c.778-10T>G (NM_001354906.2); c.1681-10T>G (NM_001354896.2); and 5 more.
Identifiers: ClinVar variation 216152 (VCV000216152.18), dbSNP rs863224538, ClinGen allele CA336307.

ClinVar aggregate classification (germline): Likely benign. Review status: criteria provided, multiple submitters, no conflicts (2 of 4 stars). 3 submissions from 3 submitters: Likely benign (2). 1 of the submissions does not count toward it. Last evaluated 2026-01-06.

Conditions:
Classic or attenuated familial adenomatous polyposis. Identifiers: MedGen CN372698, MONDO:0021057.
Familial adenomatous polyposis 1 (FAP1). Also called: FAMILIAL ADENOMATOUS POLYPOSIS 1, ATTENUATED; POLYPOSIS, ADENOMATOUS INTESTINAL. Identifiers: MedGen C2713442, MONDO:0021056, OMIM 175100. Disease mechanism: loss of function.

Allele frequency attached by ClinVar (database versions not stated): gnomAD exomes below 0.00001; gnomAD 0.00003; TOPMed 0.00003.
gnomAD v4.1: 8 of 1,567,096 alleles (0.00051%); highest among the groups gnomAD compares: African/African-American, 0.0094%; no homozygotes.

Submissions (3):

Labcorp Genetics (formerly Invitae), Labcorp
Classification: Likely benign for Familial adenomatous polyposis 1. Last evaluated: 2026-01-06. Review status: criteria provided, single submitter. Criteria: Invitae Variant Classification Sherloc (09022015). Collection method: clinical testing. Allele origin: germline.

All of Us Research Program, National Institutes of Health
Classification: Likely benign for Classic or attenuated familial adenomatous polyposis. Last evaluated: 2024-02-22. Review status: criteria provided, single submitter. Criteria: ACMG Guidelines, 2015. Collection method: clinical testing. Allele origin: germline. Inheritance: Autosomal dominant inheritance. Observed: 1 variant allele, 1 heterozygote.
Comment: This study involves interpretation of variants in research participants for the purpose of population health screening. Participant phenotype was not available at the time of variant classification. Additional details can be found in publication PMID: 35346344, PMCID: PMC8962531

Mayo Clinic Laboratories, Mayo Clinic
Classification: Uncertain significance. Review status: no assertion criteria provided. Collection method: clinical testing. Allele origin: unknown. Not counted in ClinVar's aggregate classification.